The following is an entry in ClinVar:

ClinVar aggregate classification (germline): Benign/Likely benign. Review status: criteria provided, multiple submitters, no conflicts (2 of 4 stars). 5 submissions from 5 submitters: Benign (1); Likely benign (3). 1 of the submissions does not count toward it. Last evaluated 2025-12-10.

Conditions:
TSC2-related disorder. Also called: TSC2-Related Disorders; TSC2-related condition.
Tuberous sclerosis 2 (TSC2). Identifiers: Orphanet 805, MedGen C1860707, MONDO:0013199, OMIM 613254.
Tuberous sclerosis syndrome (TSC). Also called: Tuberous Sclerosis Complex; Tuberous sclerosis. Identifiers: Orphanet 805, MedGen C0041341, MONDO:0001734.
Hereditary cancer-predisposing syndrome. Also called: Neoplastic Syndromes, Hereditary; Tumor predisposition; Hereditary Cancer Syndrome; Hereditary neoplastic syndrome. Identifiers: Orphanet 140162, MedGen C0027672, MeSH D009386, MONDO:0015356.

Allele frequency attached by ClinVar (database versions not stated): gnomAD 0.00001; gnomAD exomes 0.00001; TOPMed 0.00002.
gnomAD v4.1: 16 of 1,612,840 alleles (0.00099%); highest among the groups gnomAD compares: African/African-American, 0.0027%; no homozygotes.

Submissions (5):

Labcorp Genetics (formerly Invitae), Labcorp
Classification: Likely benign for Tuberous sclerosis 2. Last evaluated: 2025-12-10. Review status: criteria provided, single submitter. Criteria: Invitae Variant Classification Sherloc (09022015). Collection method: clinical testing. Allele origin: germline.

Myriad Genetics, Inc.
Classification: Benign for Tuberous sclerosis 2. Last evaluated: 2025-05-27. Review status: criteria provided, single submitter. Criteria: Myriad Autosomal Dominant, Autosomal Recessive and X-Linked Classification Criteria (2023). Collection method: clinical testing. Allele origin: unknown.
Comment: This variant is considered benign. This variant is a silent/synonymous amino acid change and it is not expected to impact splicing.

All of Us Research Program, National Institutes of Health
Classification: Likely benign for Tuberous sclerosis syndrome. Last evaluated: 2024-04-16. Review status: criteria provided, single submitter. Criteria: ACMG Guidelines, 2015. Collection method: clinical testing. Allele origin: germline. Inheritance: Autosomal dominant inheritance. Observed: 3 variant alleles, 3 heterozygotes.
Comment: This study involves interpretation of variants in research participants for the purpose of population health screening. Participant phenotype was not available at the time of variant classification. Additional details can be found in publication PMID: 35346344, PMCID: PMC8962531

Ambry Genetics
Classification: Likely benign for Hereditary cancer-predisposing syndrome. Last evaluated: 2015-12-18. Review status: criteria provided, single submitter. Criteria: Ambry Variant Classification Scheme 2023. Collection method: clinical testing. Allele origin: germline.

PreventionGenetics, part of Exact Sciences
Classification: Likely benign for TSC2-related condition. Last evaluated: 2020-10-27. Review status: no assertion criteria provided. Collection method: clinical testing. Allele origin: germline. Not counted in ClinVar's aggregate classification.
Comment: This variant is classified as likely benign based on ACMG/AMP sequence variant interpretation guidelines (Richards et al. 2015 PMID: 25741868, with internal and published modifications).

NM_000548.5(TSC2):c.2997C>T (p.Ser999=)

Gene: TSC2 (TSC complex subunit 2; plus strand). Cytogenetic location: 16p13.3.
Variant type: single nucleotide variant.
Coding change: c.2997C>T on transcript NM_000548.5 (MANE Select); coding-DNA position 2997, C replaced by T.
Protein change: p.Ser999=; no amino-acid change (serine 999 retained).
Molecular consequence: synonymous variant.
Genome position (GRCh38, 1-based): chr16:2,079,062, C>T. VCF-style: chr16-2079062-C-T. GRCh37 (hg19) VCF-style: chr16-2129063-C-T.
Other names: c.2865C>T, p.Ser955= (NM_001077183.3, NM_001370404.1); c.2997C>T, p.Ser999= (NM_001114382.3); c.2757C>T, p.Ser919= (NM_001318827.2); c.2721C>T, p.Ser907= (NM_001318829.2); c.2265C>T, p.Ser755= (NM_001318831.2); c.2898C>T, p.Ser966= (NM_001318832.2); c.2868C>T, p.Ser956= (NM_001363528.2, NM_001370405.1, NM_021055.3); c.2997C>T (NM_000548.4).
Identifiers: ClinVar variation 536038 (VCV000536038.19), dbSNP rs893757571, ClinGen allele CA276745126.
Genomic context (GRCh38, chr16:2,079,062, plus strand): 5'-CCTGACCCTGGTCACGGCCTCTCCCTCCAGCAGGATACAGACGTCCCTCACCAGTGCCAG[C>T]TTGGGGTCTGCAGATGAGAACTCCGTGGCCCAGGCTGACGATAGCCTGAAAAACCTCCAC-3'
Protein context (NP_000539.2, residues 989-1009): SRIQTSLTSA[Ser999=]LGSADENSVA